The following is an entry in ClinVar:

NM_015340.4(LARS2):c.2293-50G>A

Gene: LARS2 (leucyl-tRNA synthetase 2, mitochondrial; plus strand). Cytogenetic location: 3p21.31.
Variant type: single nucleotide variant.
Coding change: c.2293-50G>A on transcript NM_015340.4 (MANE Select); 50 bases into the intron before coding-DNA position 2293, G replaced by A.
Molecular consequence: intron variant.
Genome position (GRCh38, 1-based): chr3:45,523,947, G>A. VCF-style: chr3-45523947-G-A. GRCh37 (hg19) VCF-style: chr3-45565439-G-A.
Other names: c.2293-50G>A (NM_001368263.1).
Identifiers: ClinVar variation 676274 (VCV000676274.2), dbSNP rs76190197, ClinGen allele CA2349837.

ClinVar aggregate classification (germline): Likely benign. Review status: criteria provided, multiple submitters, no conflicts (2 of 4 stars). 2 submissions from 2 submitters: Likely benign (2). Last evaluated 2018-06-16.

Allele frequency attached by ClinVar (database versions not stated): 1000 Genomes Project 30x 0.02826; 1000 Genomes Project 0.03075; gnomAD 0.03506 and 0.03535; TOPMed 0.03506; ESP Exome Variant Server 0.03814.
gnomAD v4.1: 54,675 of 1,330,434 alleles (4.1%); highest among the groups gnomAD compares: Middle Eastern, 6%; 1,235 homozygotes.

Submissions (2):

GeneDx
Classification: Likely benign. Last evaluated: 2018-06-16. Review status: criteria provided, single submitter. Criteria: GeneDx Variant Classification (06012015). Collection method: clinical testing. Allele origin: germline. Affected: yes.
Comment: This variant is considered likely benign or benign based on one or more of the following criteria: it is a conservative change, it occurs at a poorly conserved position in the protein, it is predicted to be benign by multiple in silico algorithms, and/or has population frequency not consistent with disease.

Breakthrough Genomics
Classification: Likely benign. Review status: criteria provided, single submitter. Criteria: ACMG Guidelines, 2015. Collection method: not provided. Allele origin: germline. Inheritance: Autosomal recessive inheritance. Affected: yes.